The following is an entry in ClinVar:

NM_144666.3(DNHD1):c.8782C>T (p.Arg2928Ter)

Gene: DNHD1 (dynein heavy chain domain 1; plus strand). Cytogenetic location: 11p15.4.
Variant type: single nucleotide variant.
Coding change: c.8782C>T on transcript NM_144666.3 (MANE Select); coding-DNA position 8782, C replaced by T.
Protein change: p.Arg2928Ter; replaces arginine 2928 with a stop codon.
Molecular consequence: nonsense.
Genome position (GRCh38, 1-based): chr11:6,558,077, C>T. VCF-style: chr11-6558077-C-T. GRCh37 (hg19) VCF-style: chr11-6579307-C-T.
Other names: c.8782C>T (NM_144666.2); short protein forms R2928*.
Identifiers: ClinVar variation 1334451 (VCV001334451.5), dbSNP rs199752008, ClinGen allele CA5856332.

ClinVar aggregate classification (germline): Pathogenic/Likely pathogenic. Review status: criteria provided, multiple submitters, no conflicts (2 of 4 stars). 5 submissions from 5 submitters: Pathogenic (1); Likely pathogenic (3). 1 of the submissions does not count toward it. Last evaluated 2026-03-20.

Conditions:
DNHD1-related disorder. Also called: DNHD1-related condition.
Spermatogenic failure 65 (SPGF65). Identifiers: MedGen C5562067, MONDO:0030531, OMIM 619712.

Allele frequency attached by ClinVar (database versions not stated): ExAC 0.00050; ESP Exome Variant Server 0.00066; 1000 Genomes Project 30x 0.00078; 1000 Genomes Project 0.00080; TOPMed 0.00088; gnomAD exomes 0.00099 and 0.00123; gnomAD 0.00133 and 0.00136.
gnomAD v4.1: 1,907 of 1,551,722 alleles (0.12%); highest among the groups gnomAD compares: Non-Finnish European, 0.14%; 5 homozygotes.

Submissions (5):

PreventionGenetics, part of Exact Sciences
Classification: Likely pathogenic for DNHD1-related condition. Last evaluated: 2026-03-20. Review status: criteria provided, single submitter. Criteria: ACMG Guidelines, 2015. Collection method: clinical testing. Allele origin: germline.
Comment: The DNHD1 c.8782C>T variant is predicted to result in premature protein termination (p.Arg2928*). This variant has been reported in the homozygous state in two individuals with asthenoteratozoospermia (Tan et al. 2021. PubMed ID: 34932939; Martinez et al. 2023 PubMed ID: 36768883) and has been reported in a cohort study of individuals with severe proliferative diabetic retinopathy (Ung et al. 2017. PubMed ID: 28431867). This variant is reported in 0.19% of alleles in individuals of European (Non-Finnish) descent in gnomAD. Nonsense variants in DNHD1 are expected to be pathogenic. This variant is interpreted as likely pathogenic.

First Genomix Gene Laboratory, Genetic Diagnostics Department
Classification: Pathogenic for Spermatogenic failure 65. Last evaluated: 2025-07-16. Review status: criteria provided, single submitter. Criteria: ACMG Guidelines, 2015. Collection method: clinical testing. Allele origin: germline. Inheritance: Autosomal recessive inheritance. Affected: no. Observed: 1 variant allele.

Department of Pathology and Laboratory Medicine, Sinai Health System
Classification: Likely pathogenic for spermatogenic failure 65. Last evaluated: 2023-03-30. Review status: criteria provided, single submitter. Criteria: ACMG Guidelines, 2015. Collection method: research. Allele origin: germline.

SIB Swiss Institute of Bioinformatics
Classification: Likely pathogenic for Spermatogenic failure 65. Last evaluated: 2022-06-20. Review status: criteria provided, single submitter. Criteria: ACMG Guidelines, 2015. Collection method: curation. Allele origin: unknown.
Comment: This variant is interpreted as likely pathogenic for Spermatogenic failure 65, autosomal recessive. The following ACMG Tag(s) were applied: Absent from controls (or at extremely low frequency if recessive) in Exome Sequencing Project, 1000 Genomes Project, or Exome Aggregation Consortium (PM2); Predicted nullvariant in a gene where LOF is a known mechanism of disease (PVS1 downgraded to strong); Well-established functional studies show a deleterious effect (PS3 downgraded to moderate).

OMIM
Classification: Pathogenic for SPERMATOGENIC FAILURE 65. Last evaluated: 2022-01-19. Review status: no assertion criteria provided. Collection method: literature only. Allele origin: germline. Not counted in ClinVar's aggregate classification.

Literature cited by the submitters: PubMed 34932939 (cited by SIB Swiss Institute of Bioinformatics and OMIM).